The following is an entry in ClinVar:

ClinVar aggregate classification (germline): Uncertain significance. Review status: criteria provided, multiple submitters, no conflicts (2 of 4 stars). 2 submissions from 2 submitters: Uncertain significance (2). Last evaluated 2024-09-29.

Allele frequency attached by ClinVar (database versions not stated): gnomAD exomes below 0.00001 and 0.00001; gnomAD 0.00001; TOPMed 0.00001.
gnomAD v4.1: 16 of 1,613,768 alleles (0.00099%); highest among the groups gnomAD compares: Non-Finnish European, 0.0014%; no homozygotes.

Submissions (2):

Labcorp Genetics (formerly Invitae), Labcorp
Classification: Uncertain significance. Last evaluated: 2024-09-29. Review status: criteria provided, single submitter. Criteria: Invitae Variant Classification Sherloc (09022015). Collection method: clinical testing. Allele origin: germline.
Comment: This sequence change replaces alanine, which is neutral and non-polar, with valine, which is neutral and non-polar, at codon 362 of the IMPG1 protein (p.Ala362Val). This variant is present in population databases (no rsID available, gnomAD 0.0009%). This variant has not been reported in the literature in individuals affected with IMPG1-related conditions. ClinVar contains an entry for this variant (Variation ID: 1041576). An algorithm developed to predict the effect of missense changes on protein structure and function outputs the following: PolyPhen-2: "Benign". The valine amino acid residue is found in multiple mammalian species, which suggests that this missense change does not adversely affect protein function. In summary, the available evidence is currently insufficient to determine the role of this variant in disease. Therefore, it has been classified as a Variant of Uncertain Significance.

Ambry Genetics
Classification: Uncertain significance. Last evaluated: 2024-08-10. Review status: criteria provided, single submitter. Criteria: Ambry Variant Classification Scheme 2023. Collection method: clinical testing. Allele origin: germline.

NM_001563.4(IMPG1):c.1085C>T (p.Ala362Val)

Gene: IMPG1 (interphotoreceptor matrix proteoglycan 1; minus strand). Cytogenetic location: 6q14.1.
Variant type: single nucleotide variant.
Coding change: c.1085C>T on transcript NM_001563.4 (MANE Select); coding-DNA position 1085, C replaced by T.
Protein change: p.Ala362Val; replaces alanine 362 with valine.
Molecular consequence: missense variant.
Genome position (GRCh38, 1-based): chr6:76,005,337, G>A on the plus strand (C>T on the coding strand, the complement: IMPG1 is on the minus strand). VCF-style: chr6-76005337-G-A. GRCh37 (hg19) VCF-style: chr6-76715054-G-A.
Other names: c.1085C>T (NM_001563.2); c.851C>T, p.Ala284Val (NM_001282368.2); short protein forms A284V, A362V.
Identifiers: ClinVar variation 1041576 (VCV001041576.9), dbSNP rs1309555898, ClinGen allele CA364773497.